The following is an entry in ClinVar:

ClinVar aggregate classification (germline): Uncertain significance (1 of 4 stars; one submission).

Submission:

Ambry Genetics
Classification: Uncertain significance. Last evaluated: 2022-09-10. Review status: criteria provided, single submitter. Criteria: Ambry Variant Classification Scheme 2023. Collection method: clinical testing. Allele origin: germline.
Comment: The p.H253Y variant (also known as c.757C>T), located in coding exon 1 of the PALLD gene, results from a C to T substitution at nucleotide position 757. The histidine at codon 253 is replaced by tyrosine, an amino acid with similar properties. This amino acid position is conserved. In addition, this alteration is predicted to be tolerated by in silico analysis. Since supporting evidence is limited at this time, the clinical significance of this alteration remains unclear.

NM_001166108.2(PALLD):c.757C>T (p.His253Tyr)

Gene: PALLD (palladin, cytoskeletal associated protein; plus strand). Cytogenetic location: 4q32.3.
Variant type: single nucleotide variant.
Coding change: c.757C>T on transcript NM_001166108.2 (MANE Select); coding-DNA position 757, C replaced by T.
Protein change: p.His253Tyr; replaces histidine 253 with tyrosine.
Molecular consequence: missense variant.
Genome position (GRCh38, 1-based): chr4:168,512,261, C>T. VCF-style: chr4-168512261-C-T. GRCh37 (hg19) VCF-style: chr4-169433412-C-T.
Other names: c.757C>T, p.His253Tyr (NM_016081.4); short protein forms H253Y.
Identifiers: ClinVar variation 1759605 (VCV001759605.2), dbSNP rs2531436391, ClinGen allele CA358728234.